The following is an entry in ClinVar:

NM_138694.4(PKHD1):c.6390del (p.Thr2131fs)

Gene: PKHD1 (PKHD1 ciliary IPT domain containing fibrocystin/polyductin; minus strand). Cytogenetic location: 6p12.2.
Variant type: Deletion.
Coding change: c.6390del on transcript NM_138694.4 (MANE Select); coding-DNA position 6390, one base deleted (C; older notation c.6390delC).
Protein change: p.Thr2131fs; shifts the reading frame from threonine 2131.
Molecular consequence: frameshift variant.
Genome position (GRCh38, 1-based): chr6:51,911,899, G deleted on the plus strand (C on the coding strand, the reverse complement: PKHD1 is on the minus strand); the first of 2 consecutive G bases (chr6:51,911,899-51,911,900); deleting either gives the same sequence. VCF-style (leftmost placement, unchanged base first): chr6-51911898-TG-T. GRCh37 (hg19) VCF-style: chr6-51776696-TG-T.
Other names: c.6390del, p.Thr2131fs (NM_170724.3); c.6390delC (NM_138694.3); short protein forms T2131fs.
Identifiers: ClinVar variation 1355559 (VCV001355559.8), dbSNP rs1783005266, ClinGen allele CA1628582972.

ClinVar aggregate classification (germline): Pathogenic/Likely pathogenic. Review status: criteria provided, multiple submitters, no conflicts (2 of 4 stars). 3 submissions from 3 submitters: Pathogenic (1); Likely pathogenic (2). Last evaluated 2025-02-11.

Conditions:
Polycystic kidney disease 4 (PKD4). Also called: POLYCYSTIC KIDNEY AND HEPATIC DISEASE 1; POLYCYSTIC KIDNEY DISEASE, INFANTILE, TYPE I; PKD3; POLYCYSTIC KIDNEY DISEASE 4 WITH OR WITHOUT POLYCYSTIC LIVER DISEASE; Autosomal Recessive Polycystic Kidney Disease – PKHD1. Identifiers: MedGen C4540575, MONDO:0033004, OMIM 263200.
Autosomal recessive polycystic kidney disease (ARPKD). Also called: AR polycystic kidney disease. Identifiers: Orphanet 731, Orphanet 8378, MedGen C0085548, MeSH D017044, MONDO:0009889.

Submissions (3):

Natera, Inc.
Classification: Likely pathogenic for Autosomal recessive polycystic kidney disease. Last evaluated: 2025-02-11. Review status: criteria provided, single submitter. Criteria: Natera Variant Classification Schema (03/2026). Collection method: clinical testing. Allele origin: germline.
Comment: The c.6390delC variant in PKHD1 is a frameshift variant predicted to shift the reading frame beginning at codon 2131 and leads to a stop codon 43 codons downstream. This variant is expected to result in nonsense mediated decay, truncation, or a dysfunctional protein product. This variant is rare in the general population with a frequency below the threshold expected for the associated phenotype(s). Given the available evidence, this variant is classified as Likely Pathogenic.

Baylor Genetics
Classification: Likely pathogenic for Polycystic kidney disease 4. Last evaluated: 2022-09-29. Review status: criteria provided, single submitter. Criteria: ACMG Guidelines, 2015. Collection method: clinical testing. Allele origin: unknown.

Labcorp Genetics (formerly Invitae), Labcorp
Classification: Pathogenic for Autosomal recessive polycystic kidney disease. Last evaluated: 2021-08-17. Review status: criteria provided, single submitter. Criteria: Invitae Variant Classification Sherloc (09022015). Collection method: clinical testing. Allele origin: germline.
Comment: This sequence change creates a premature translational stop signal (p.Thr2131Leufs*43) in the PKHD1 gene. It is expected to result in an absent or disrupted protein product. Loss-of-function variants in PKHD1 are known to be pathogenic (PMID: 19940839). This variant is not present in population databases (ExAC no frequency). This variant has not been reported in the literature in individuals affected with PKHD1-related conditions. For these reasons, this variant has been classified as Pathogenic.

Literature cited by the submitters: PubMed 19940839 (cited by Labcorp Genetics (formerly Invitae), Labcorp).